The following is an entry in ClinVar:

NM_013275.6(ANKRD11):c.1432T>C (p.Ser478Pro)

Gene: ANKRD11 (ankyrin repeat domain 11; minus strand). Cytogenetic location: 16q24.3.
Variant type: single nucleotide variant.
Coding change: c.1432T>C on transcript NM_013275.6 (MANE Select); coding-DNA position 1432, T replaced by C.
Protein change: p.Ser478Pro; replaces serine 478 with proline.
Molecular consequence: missense variant.
Genome position (GRCh38, 1-based): chr16:89,285,110, A>G on the plus strand (T>C on the coding strand, the complement: ANKRD11 is on the minus strand). VCF-style: chr16-89285110-A-G. GRCh37 (hg19) VCF-style: chr16-89351518-A-G.
Other names: c.1432T>C, p.Ser478Pro (NM_001256182.2, NM_001256183.2); c.1432T>C (NM_013275.4); short protein forms S478P.
Identifiers: ClinVar variation 1406533 (VCV001406533.31), dbSNP rs372688828, ClinGen allele CA286521415.

ClinVar aggregate classification (germline): Conflicting classifications of pathogenicity. Review status: criteria provided, conflicting classifications (1 of 4 stars). 4 submissions from 4 submitters: Uncertain significance (3); Likely benign (1). Last evaluated 2023-11-22.

Conditions:
Inborn genetic diseases. Identifiers: MedGen C0950123, MeSH D030342.
KBG syndrome (KBGS). Also called: ANKRD11-Related KBG Syndrome. Identifiers: Orphanet 2332, MedGen C0220687, MONDO:0007846, OMIM 148050.

Allele frequency attached by ClinVar (database versions not stated): gnomAD exomes 0.00001; TOPMed 0.00001; gnomAD 0.00002 and 0.00003; ESP Exome Variant Server 0.00008.
gnomAD v4.1: 18 of 1,613,548 alleles (0.0011%); highest among the groups gnomAD compares: Non-Finnish European, 0.0014%; no homozygotes.

Submissions (4):

Labcorp Genetics (formerly Invitae), Labcorp
Classification: Uncertain significance for KBG syndrome. Last evaluated: 2023-11-22. Review status: criteria provided, single submitter. Criteria: Invitae Variant Classification Sherloc (09022015). Collection method: clinical testing. Allele origin: germline.
Comment: This sequence change replaces serine, which is neutral and polar, with proline, which is neutral and non-polar, at codon 478 of the ANKRD11 protein (p.Ser478Pro). This variant is not present in population databases (gnomAD no frequency). This variant has not been reported in the literature in individuals affected with ANKRD11-related conditions. ClinVar contains an entry for this variant (Variation ID: 1406533). Advanced modeling of protein sequence and biophysical properties (such as structural, functional, and spatial information, amino acid conservation, physicochemical variation, residue mobility, and thermodynamic stability) performed at Invitae indicates that this missense variant is not expected to disrupt ANKRD11 protein function with a negative predictive value of 95%. In summary, the available evidence is currently insufficient to determine the role of this variant in disease. Therefore, it has been classified as a Variant of Uncertain Significance.

CeGaT Center for Human Genetics Tuebingen
Classification: Likely benign. Last evaluated: 2022-09-01. Review status: criteria provided, single submitter. Criteria: CeGaT Center For Human Genetics Tuebingen Variant Classification Criteria Version 2. Collection method: clinical testing. Allele origin: germline. Affected: yes. Observed: 1 variant allele.
Comment: ANKRD11: BP4

Ambry Genetics
Classification: Uncertain significance for Inborn genetic diseases. Last evaluated: 2022-08-17. Review status: criteria provided, single submitter. Criteria: Ambry Variant Classification Scheme 2023. Collection method: clinical testing. Allele origin: germline.

Blueprint Genetics
Classification: Uncertain significance. Last evaluated: 2020-12-09. Review status: criteria provided, single submitter. Criteria: ACMG Guidelines, 2015. Collection method: clinical testing. Allele origin: germline.